The following is an entry in ClinVar:

ClinVar aggregate classification (germline): Likely pathogenic (1 of 4 stars; one submission).

Allele frequency attached by ClinVar (database versions not stated): TOPMed below 0.00001.

Submission:

GeneDx
Classification: Likely pathogenic. Last evaluated: 2025-06-04. Review status: criteria provided, single submitter. Criteria: GeneDx Variant Classification Process June 2021. Collection method: clinical testing. Allele origin: germline. Affected: yes.
Comment: Not observed at significant frequency in large population cohorts (gnomAD); In silico analysis supports a deleterious effect on splicing; Has not been previously published as pathogenic or benign to our knowledge

NM_176787.5(PIGN):c.923-12T>A

Gene: PIGN (phosphatidylinositol glycan anchor biosynthesis class N; minus strand). Cytogenetic location: 18q21.33.
Variant type: single nucleotide variant.
Coding change: c.923-12T>A on transcript NM_176787.5 (MANE Select); 12 bases into the intron before coding-DNA position 923, T replaced by A.
Molecular consequence: intron variant.
Genome position (GRCh38, 1-based): chr18:62,143,358, A>T on the plus strand (T>A on the coding strand, the complement: PIGN is on the minus strand). VCF-style: chr18-62143358-A-T. GRCh37 (hg19) VCF-style: chr18-59810591-A-T.
Other names: c.923-12T>A (NM_012327.6).
Identifiers: ClinVar variation 391068 (VCV000391068.5), dbSNP rs1057523957, ClinGen allele CA16607637.
Genomic context (GRCh38, chr18:62,143,358, plus strand): 5'-CTGGATACCTGATTGACATCTAGCCTCTTCCAATTCTCCAATCTCCACTCTGAAAGATAC[A>T]ATCAGACACAAGATCTGATGTTAAGATTTAAAAAAGAATAAATCATTTGATTTTTAGGAG-3'